The following is an entry in ClinVar:

ClinVar aggregate classification (germline): Likely pathogenic (1 of 4 stars; one submission).

Conditions:
TBR1-related disorder. Also called: TBR1-related condition.

Submission:

PreventionGenetics, part of Exact Sciences
Classification: Likely pathogenic for TBR1-related condition. Last evaluated: 2023-07-03. Review status: criteria provided, single submitter. Criteria: ACMG Guidelines, 2015. Collection method: clinical testing. Allele origin: germline.
Comment: The TBR1 c.759delT variant is predicted to result in a frameshift and premature protein termination (p.Phe253Leufs*4). To our knowledge, this variant has not been reported in the literature or in a large population database, indicating this variant is rare. Frameshift variants in TBR1 are expected to be pathogenic. This variant is interpreted as likely pathogenic.

NM_006593.4(TBR1):c.759del (p.Phe253fs)

Gene: TBR1 (T-box brain transcription factor 1; plus strand). Cytogenetic location: 2q24.2.
Variant type: Deletion.
Coding change: c.759del on transcript NM_006593.4 (MANE Select); coding-DNA position 759, one base deleted (T; older notation c.759delT).
Protein change: p.Phe253fs; shifts the reading frame from phenylalanine 253.
Molecular consequence: frameshift variant.
Genome position (GRCh38, 1-based): chr2:161,417,742, T deleted; the last of 5 consecutive T bases (chr2:161,417,738-161,417,742); deleting any one gives the same sequence. VCF-style (leftmost placement, unchanged base first): chr2-161417737-AT-A. GRCh37 (hg19) VCF-style: chr2-162274248-AT-A.
Other names: short protein forms F253fs.
Identifiers: ClinVar variation 2632268 (VCV002632268.1), dbSNP rs2468091740, ClinGen allele CA2695197064.